The following is an entry in ClinVar:

NM_000492.4(CFTR):c.1033G>T (p.Val345Phe)

Gene: CFTR (CF transmembrane conductance regulator; plus strand). Cytogenetic location: 7q31.2.
Variant type: single nucleotide variant.
Coding change: c.1033G>T on transcript NM_000492.4 (MANE Select); coding-DNA position 1033, G replaced by T.
Protein change: p.Val345Phe; replaces valine 345 with phenylalanine.
Molecular consequence: missense variant.
Genome position (GRCh38, 1-based): chr7:117,540,263, G>T. VCF-style: chr7-117540263-G-T. GRCh37 (hg19) VCF-style: chr7-117180317-G-T.
Other names: short protein forms V345F.
Identifiers: ClinVar variation 3634131 (VCV003634131.2).
Genomic context (GRCh38, chr7:117,540,263, plus strand): 5'-TATGCACTAATCAAAGGAATCATCCTCCGGAAAATATTCACCACCATCTCATTCTGCATT[G>T]TTCTGCGCATGGCGGTCACTCGGCAATTTCCCTGGGCTGTACAAACATGGTATGACTCTC-3'
Protein context (NP_000483.3, residues 335-355): KIFTTISFCI[Val345Phe]LRMAVTRQFP

ClinVar aggregate classification (germline): Uncertain significance (1 of 4 stars; one submission).

Conditions:
Cystic fibrosis (CF). Also called: MUCOVISCIDOSIS. Identifiers: Orphanet 586, MedGen C0010674, MONDO:0009061, OMIM 219700. Disease mechanism: loss of function.

gnomAD v4.1: 1 of 1,613,918 alleles (0.000062%); highest among the groups gnomAD compares: Admixed American, 0.0017%; no homozygotes.

Submission:

Labcorp Genetics (formerly Invitae), Labcorp
Classification: Uncertain significance for Cystic fibrosis. Last evaluated: 2026-01-05. Review status: criteria provided, single submitter. Criteria: Invitae Variant Classification Sherloc (09022015). Collection method: clinical testing. Allele origin: germline.
Comment: This sequence change replaces valine, which is neutral and non-polar, with phenylalanine, which is neutral and non-polar, at codon 345 of the CFTR protein (p.Val345Phe). This variant is not present in population databases (gnomAD no frequency). This variant has not been reported in the literature in individuals affected with CFTR-related conditions. ClinVar contains an entry for this variant (Variation ID: 3634131). Invitae Evidence Modeling of protein sequence and biophysical properties (such as structural, functional, and spatial information, amino acid conservation, physicochemical variation, residue mobility, and thermodynamic stability) indicates that this missense variant is expected to disrupt CFTR protein function with a positive predictive value of 80%. In summary, the available evidence is currently insufficient to determine the role of this variant in disease. Therefore, it has been classified as a Variant of Uncertain Significance.